The following is an entry in ClinVar:

NM_001009944.3(PKD1):c.3726G>A (p.Thr1242=)

Gene: PKD1 (polycystin 1, transient receptor potential channel interacting; minus strand). Cytogenetic location: 16p13.3.
Variant type: single nucleotide variant.
Coding change: c.3726G>A on transcript NM_001009944.3 (MANE Select); coding-DNA position 3726, G replaced by A.
Protein change: p.Thr1242=; no amino-acid change (threonine 1242 retained).
Molecular consequence: synonymous variant.
Genome position (GRCh38, 1-based): chr16:2,111,441, C>T on the plus strand (G>A on the coding strand, the complement: PKD1 is on the minus strand). VCF-style: chr16-2111441-C-T. GRCh37 (hg19) VCF-style: chr16-2161442-C-T.
Other names: c.3726G>A, p.Thr1242= (NM_000296.4).
Identifiers: ClinVar variation 997133 (VCV000997133.27), dbSNP rs146243410, ClinGen allele CA7832654.

ClinVar aggregate classification (germline): Likely benign. Review status: criteria provided, multiple submitters, no conflicts (2 of 4 stars). 4 submissions from 4 submitters: Likely benign (3). 1 of the submissions does not count toward it. Last evaluated 2026-03-01.

Conditions:
Polycystic kidney disease. Also called: Kidney, Polycystic; Polycystic kidney dysplasia. Identifiers: MedGen C0022680, MeSH D007690, MONDO:0020642, HP:0000113.

Allele frequency attached by ClinVar (database versions not stated): 1000 Genomes Project 30x 0.00016; gnomAD 0.00017 and 0.00023; 1000 Genomes Project 0.00020; TOPMed 0.00023; ESP Exome Variant Server 0.00032; gnomAD exomes 0.00062; ExAC 0.00070.
gnomAD v4.1: 528 of 1,611,904 alleles (0.033%); highest among the groups gnomAD compares: South Asian, 0.45%; 7 homozygotes.

Submissions (4):

Women's Health and Genetics/Laboratory Corporation of America, LabCorp
Classification: Likely benign. Last evaluated: 2026-03-01. Review status: criteria provided, single submitter. Criteria: LabCorp Variant Classification Summary - May 2015. Collection method: clinical testing. Allele origin: germline.

CeGaT Center for Human Genetics Tuebingen
Classification: Likely benign. Last evaluated: 2025-08-01. Review status: criteria provided, single submitter. Criteria: CeGaT Center For Human Genetics Tuebingen Variant Classification Criteria Version 2. Collection method: clinical testing. Allele origin: germline. Affected: yes. Observed: 3 variant alleles.
Comment: PKD1: BP4, BP7

Blueprint Genetics
Classification: Likely benign. Last evaluated: 2024-11-19. Review status: criteria provided, single submitter. Criteria: ACMG Guidelines, 2015. Collection method: clinical testing. Allele origin: germline.

Department of Pathology and Laboratory Medicine, Sinai Health System
Classification: Likely benign for Polycystic Kidney disease. Review status: no assertion criteria provided. Collection method: clinical testing. Allele origin: unknown. Affected: yes. Study: The Canadian Open Genetics Repository (COGR). Not counted in ClinVar's aggregate classification.
Comment: The PKD1 p.Thr1242= variant was not identified in the literature nor was it identified in the ClinVar, LOVD 3.0, ADPKD Mutation Database, PKD1-LOVD, databases. The variant was identified in dbSNP (ID: rs146243410) as N/A, database. The variant was identified in control databases in 155(2 homozygous) of 269460 chromosomes at a frequency of 0.000575 increasing the likelihood this could be a low frequency benign variant (Genome Aggregation Consortium Feb 27, 2017). In addition we cannot be certain that data from control databases is specific to PKD1 and not from one of the six PKD1 pseudogenes. The p.Thr1242= variant is not expected to have clinical significance because it does not result in a change of amino acid and is not located in a known consensus splice site. The variant occurs outside of the splicing consensus sequence and 1 of 5 in silico or computational prediction software programs (SpliceSiteFinder, MaxEntScan, NNSPLICE, GeneSplicer, HumanSpliceFinder) predict a greater than 10% difference in splicing; this is not very predictive of pathogenicity. In summary, based on the above information, the clinical significance of this variant cannot be determined with certainty at this time although we would lean towards a more benign role for this variant. This variant is classified as likely benign.